The following is an entry in ClinVar:

NM_000135.4(FANCA):c.3783del (p.Phe1262fs)

Genes: FANCA (FA complementation group A; minus strand), ZNF276 (zinc finger protein 276; plus strand). Cytogenetic location: 16q24.3.
Variant type: Deletion.
Coding change: c.3783del on transcript NM_000135.4 (MANE Select); coding-DNA position 3783, one base deleted (C; older notation c.3783delC).
Protein change: p.Phe1262fs; shifts the reading frame from phenylalanine 1262.
Molecular consequence: frameshift variant. On other transcripts: 3 prime UTR variant (2), non-coding transcript variant (4).
Genome position (GRCh38, 1-based): chr16:89,740,849, G deleted on the plus strand (C on the coding strand, the reverse complement: FANCA is on the minus strand). VCF-style (leftmost placement, unchanged base first): chr16-89740848-AG-A. GRCh37 (hg19) VCF-style: chr16-89807256-AG-A.
Other names: c.3783del, p.Phe1262fs (NM_001286167.3); c.*2603del (NM_001113525.2, NM_152287.4); short protein forms F1262fs.
Identifiers: ClinVar variation 2417905 (VCV002417905.6), dbSNP rs2544095216, ClinGen allele CA2580092333.

ClinVar aggregate classification (germline): Pathogenic/Likely pathogenic. Review status: criteria provided, multiple submitters, no conflicts (2 of 4 stars). 2 submissions from 2 submitters: Pathogenic (1); Likely pathogenic (1). Last evaluated 2024-06-13.

Conditions:
Fanconi anemia (FA). Also called: Fanconi's anemia. Identifiers: Orphanet 84, MedGen C0015625, MeSH D005199, MONDO:0019391.
FANCA-related disorders.

Submissions (2):

Labcorp Genetics (formerly Invitae), Labcorp
Classification: Pathogenic for Fanconi anemia. Last evaluated: 2024-06-13. Review status: criteria provided, single submitter. Criteria: Invitae Variant Classification Sherloc (09022015). Collection method: clinical testing. Allele origin: germline.
Comment: This sequence change creates a premature translational stop signal (p.Phe1262Serfs*4) in the FANCA gene. It is expected to result in an absent or disrupted protein product. Loss-of-function variants in FANCA are known to be pathogenic (PMID: 19367192). This variant is not present in population databases (gnomAD no frequency). This variant has not been reported in the literature in individuals affected with FANCA-related conditions. ClinVar contains an entry for this variant (Variation ID: 2417905). Algorithms developed to predict the effect of sequence changes on RNA splicing suggest that this variant may disrupt the consensus splice site. For these reasons, this variant has been classified as Pathogenic.

Blueprint Genetics
Classification: Likely pathogenic for FANCA-related disorders. Last evaluated: 2020-08-05. Review status: criteria provided, single submitter. Criteria: ACMG Guidelines, 2015. Collection method: clinical testing. Allele origin: germline. Affected: yes. Observed: 1 variant allele.

Literature cited by the submitters: PubMed 19367192 (cited by Labcorp Genetics (formerly Invitae), Labcorp).